The following is an entry in ClinVar:

NM_001330691.3(CEP78):c.1489A>G (p.Ile497Val)

Gene: CEP78 (centrosomal protein 78; plus strand). Cytogenetic location: 9q21.2.
Variant type: single nucleotide variant.
Coding change: c.1489A>G on transcript NM_001330691.3 (MANE Select); coding-DNA position 1489, A replaced by G.
Protein change: p.Ile497Val; replaces isoleucine 497 with valine.
Molecular consequence: missense variant.
Genome position (GRCh38, 1-based): chr9:78,264,180, A>G. VCF-style: chr9-78264180-A-G. GRCh37 (hg19) VCF-style: chr9-80879096-A-G.
Other names: c.1492A>G, p.Ile498Val (NM_001098802.3, NM_001349839.2, NM_001349840.2 and 1 more transcripts); c.1489A>G, p.Ile497Val (NM_001330693.3, NM_001330694.2, NM_001349838.2); short protein forms I498V, I497V.
Identifiers: ClinVar variation 1948750 (VCV001948750.2), dbSNP rs1042261424, ClinGen allele CA194407862.

ClinVar aggregate classification (germline): Uncertain significance (1 of 4 stars; one submission).

Allele frequency attached by ClinVar (database versions not stated): gnomAD exomes 0.00001; TOPMed 0.00001.
gnomAD v4.1: 3 of 1,497,556 alleles (0.0002%); highest among the groups gnomAD compares: Admixed American, 0.0067%; no homozygotes.

Submission:

Labcorp Genetics (formerly Invitae), Labcorp
Classification: Uncertain significance. Last evaluated: 2022-07-30. Review status: criteria provided, single submitter. Criteria: Invitae Variant Classification Sherloc (09022015). Collection method: clinical testing. Allele origin: germline.
Comment: This sequence change replaces isoleucine, which is neutral and non-polar, with valine, which is neutral and non-polar, at codon 498 of the CEP78 protein (p.Ile498Val). This variant is present in population databases (no rsID available, gnomAD 0.02%). This variant has not been reported in the literature in individuals affected with CEP78-related conditions. Algorithms developed to predict the effect of missense changes on protein structure and function (SIFT, PolyPhen-2, Align-GVGD) all suggest that this variant is likely to be tolerated. In summary, the available evidence is currently insufficient to determine the role of this variant in disease. Therefore, it has been classified as a Variant of Uncertain Significance.